The following is an entry in ClinVar:

NM_001684.5(ATP2B4):c.895A>C (p.Lys299Gln)

Gene: ATP2B4 (ATPase plasma membrane Ca2+ transporting 4; plus strand). Cytogenetic location: 1q32.1.
Variant type: single nucleotide variant.
Coding change: c.895A>C on transcript NM_001684.5 (MANE Select); coding-DNA position 895, A replaced by C.
Protein change: p.Lys299Gln; replaces lysine 299 with glutamine.
Molecular consequence: missense variant.
Genome position (GRCh38, 1-based): chr1:203,700,917, A>C. VCF-style: chr1-203700917-A-C. GRCh37 (hg19) VCF-style: chr1-203670045-A-C.
Other names: c.895A>C, p.Lys299Gln (NM_001001396.3, NM_001365783.2, NM_001365784.2); short protein forms K299Q.
Identifiers: ClinVar variation 4772276 (VCV004772276.1).

ClinVar aggregate classification (germline): Uncertain significance (1 of 4 stars; one submission).

gnomAD v4.1: 1 of 1,612,686 alleles (0.000062%); highest among the groups gnomAD compares: Non-Finnish European, 0.000085%; no homozygotes.

Submission:

Labcorp Genetics (formerly Invitae), Labcorp
Classification: Uncertain significance. Last evaluated: 2025-08-11. Review status: criteria provided, single submitter. Criteria: Invitae Variant Classification Sherloc (09022015). Collection method: clinical testing. Allele origin: germline.
Comment: This sequence change replaces lysine, which is basic and polar, with glutamine, which is neutral and polar, at codon 299 of the ATP2B4 protein (p.Lys299Gln). This variant is not present in population databases (gnomAD no frequency). This variant has not been reported in the literature in individuals affected with ATP2B4-related conditions. Invitae Evidence Modeling of protein sequence and biophysical properties (such as structural, functional, and spatial information, amino acid conservation, physicochemical variation, residue mobility, and thermodynamic stability) indicates that this missense variant is not expected to disrupt ATP2B4 protein function with a negative predictive value of 80%. In summary, the available evidence is currently insufficient to determine the role of this variant in disease. Therefore, it has been classified as a Variant of Uncertain Significance.